The following is an entry in ClinVar:

NM_003200.5(TCF3):c.1924C>G (p.Pro642Ala)

Gene: TCF3 (transcription factor 3; minus strand). Cytogenetic location: 19p13.3.
Variant type: single nucleotide variant.
Coding change: c.1924C>G on transcript NM_003200.5 (MANE Select); coding-DNA position 1924, C replaced by G.
Protein change: p.Pro642Ala; replaces proline 642 with alanine.
Molecular consequence: missense variant.
Genome position (GRCh38, 1-based): chr19:1,611,748, G>C on the plus strand (C>G on the coding strand, the complement: TCF3 is on the minus strand). VCF-style: chr19-1611748-G-C. GRCh37 (hg19) VCF-style: chr19-1611747-G-C.
Other names: c.1915C>G, p.Pro639Ala (NM_001136139.4, NM_001351779.2); c.1921C>G, p.Pro641Ala (NM_001351778.2); short protein forms P641A, P639A, P642A.
Identifiers: ClinVar variation 2808057 (VCV002808057.3), dbSNP rs2061002956, ClinGen allele CA403048076.
Genomic context (GRCh38, chr19:1,611,748, plus strand): 5'-TCCCACGGAGGCATACCTTTCACATGTGCCCGGCGGGGTTGTGGGCTTCGCTCAGGCCTG[G>C]GTGGGGAGCTGAAAGCACCATCTGGGGGTCTCCAACCACACCTGACACCTTTTCCTCTTC-3'
Protein context (NP_003191.1, residues 632-652): DPQMVLSAPH[Pro642Ala]GLSEAHNPAG

ClinVar aggregate classification (germline): Uncertain significance (1 of 4 stars; one submission).

Submission:

Labcorp Genetics (formerly Invitae), Labcorp
Classification: Uncertain significance. Last evaluated: 2024-03-07. Review status: criteria provided, single submitter. Criteria: Invitae Variant Classification Sherloc (09022015). Collection method: clinical testing. Allele origin: germline.
Comment: This sequence change replaces proline, which is neutral and non-polar, with alanine, which is neutral and non-polar, at codon 642 of the TCF3 protein (p.Pro642Ala). This variant is not present in population databases (gnomAD no frequency). This variant has not been reported in the literature in individuals affected with TCF3-related conditions. Advanced modeling of protein sequence and biophysical properties (such as structural, functional, and spatial information, amino acid conservation, physicochemical variation, residue mobility, and thermodynamic stability) performed at Invitae indicates that this missense variant is expected to disrupt TCF3 protein function with a positive predictive value of 80%. In summary, the available evidence is currently insufficient to determine the role of this variant in disease. Therefore, it has been classified as a Variant of Uncertain Significance.